The following is an entry in ClinVar:

ClinVar aggregate classification (germline): Uncertain significance (1 of 4 stars; one submission).

Conditions:
IFT74-related disorder. Also called: IFT74-related condition; IFT74-Related Disorders.

gnomAD v4.1: 3 of 1,605,164 alleles (0.00019%); highest among the groups gnomAD compares: Admixed American, 0.0035%; no homozygotes.

Submission:

PreventionGenetics, part of Exact Sciences
Classification: Uncertain significance for IFT74-related condition. Last evaluated: 2025-04-30. Review status: criteria provided, single submitter. Criteria: ACMG Guidelines, 2015. Collection method: clinical testing. Allele origin: germline.
Comment: The IFT74 c.143C>T variant is predicted to result in the amino acid substitution p.Pro48Leu. To our knowledge, this variant has not been reported in the literature. This variant is reported in 0.0064% of alleles in individuals of Latino descent in gnomAD. At this time, the clinical significance of this variant is uncertain due to the absence of conclusive functional and genetic evidence.

NM_025103.4(IFT74):c.143C>T (p.Pro48Leu)

Gene: IFT74 (intraflagellar transport 74; plus strand). Cytogenetic location: 9p21.2.
Variant type: single nucleotide variant.
Coding change: c.143C>T on transcript NM_025103.4 (MANE Select); coding-DNA position 143, C replaced by T.
Protein change: p.Pro48Leu; replaces proline 48 with leucine.
Molecular consequence: missense variant.
Genome position (GRCh38, 1-based): chr9:26,978,150, C>T. VCF-style: chr9-26978150-C-T. GRCh37 (hg19) VCF-style: chr9-26978148-C-T.
Other names: c.143C>T, p.Pro48Leu (NM_001099222.3, NM_001099223.3, NM_001099224.3 and 1 more transcripts); short protein forms P48L.
Identifiers: ClinVar variation 4998820 (VCV004998820.1).